The following is an entry in ClinVar:

ClinVar aggregate classification (germline): Benign (1 of 4 stars; one submission).

Conditions:
Autoimmune lymphoproliferative syndrome type 2A (ALPS2A). Also called: CASP10-Related Autoimmune Lymphoproliferative Syndrome; AUTOIMMUNE LYMPHOPROLIFERATIVE SYNDROME, TYPE IIA; Autoimmune lymphoproliferative syndrome type 2. Identifiers: Orphanet 3261, MedGen C1858968, MONDO:0011383, OMIM 603909.

Allele frequency attached by ClinVar (database versions not stated): gnomAD exomes 0.00062; 1000 Genomes Project 30x 0.00656; 1000 Genomes Project 0.00659; gnomAD 0.00707 and 0.00762; TOPMed 0.00795.
gnomAD v4.1: 1,595 of 985,650 alleles (0.16%); highest among the groups gnomAD compares: African/African-American, 2.6%; 23 homozygotes.

Submission:

Illumina Laboratory Services, Illumina
Classification: Benign for Autoimmune lymphoproliferative syndrome type 2A. Last evaluated: 2018-01-13. Review status: criteria provided, single submitter. Criteria: ICSL Variant Classification Criteria 13 December 2019. Collection method: clinical testing. Allele origin: germline.
Comment: This variant was observed in the ICSL laboratory as part of a predisposition screen in an ostensibly healthy population. It had not been previously curated by ICSL or reported in the Human Gene Mutation Database (HGMD: prior to June 1st, 2018), and was therefore a candidate for classification through an automated scoring system. Utilizing variant allele frequency, disease prevalence and penetrance estimates, and inheritance mode, an automated score was calculated to assess if this variant is too frequent to cause the disease. Based on the score and internal cut-off values, a variant classified as benign is not then subjected to further curation. The score for this variant resulted in a classification of benign for this disease.

NM_032977.4(CASP10):c.*3513A>G

Gene: CASP10 (caspase 10; plus strand). Cytogenetic location: 2q33.1.
Variant type: single nucleotide variant.
Coding change: c.*3513A>G on transcript NM_032977.4 (MANE Select); 3513 bases downstream of the stop codon, A replaced by G.
Molecular consequence: 3 prime UTR variant. On other transcripts: intron variant (2).
Genome position (GRCh38, 1-based): chr2:201,221,254, A>G. VCF-style: chr2-201221254-A-G. GRCh37 (hg19) VCF-style: chr2-202085977-A-G.
Other names: c.*3513A>G (NM_001206524.2, NM_001230.5); c.*4168A>G (NM_032976.4); c.1416-7679A>G (NM_032974.5); c.1287-7679A>G (NM_001206542.2).
Identifiers: ClinVar variation 333495 (VCV000333495.5), dbSNP rs6752492, ClinGen allele CA10613788.
Genomic context (GRCh38, chr2:201,221,254, plus strand): 5'-CTCTGAGTAAGATCTAATTCTTCCCTCACTGGTTCGTGATGTCTACCGCAGCAGAAGGCC[A>G]GCTCTTGACTCTGAGTTCAGTTGGACAAAATGCTGTTGATAAAACCTCCTGTCAGGCCTC-3'